The following is an entry in ClinVar:

NM_004820.5(CYP7B1):c.1035A>G (p.Gln345=)

Gene: CYP7B1 (cytochrome P450 family 7 subfamily B member 1; minus strand). Cytogenetic location: 8q12.3.
Variant type: single nucleotide variant.
Coding change: c.1035A>G on transcript NM_004820.5 (MANE Select); coding-DNA position 1035, A replaced by G.
Protein change: p.Gln345=; no amino-acid change (glutamine 345 retained).
Molecular consequence: synonymous variant.
Genome position (GRCh38, 1-based): chr8:64,615,048, T>C on the plus strand (A>G on the coding strand, the complement: CYP7B1 is on the minus strand). VCF-style: chr8-64615048-T-C. GRCh37 (hg19) VCF-style: chr8-65527605-T-C.
Other names: c.1035A>G (NM_004820.4); c.1035A>G, p.Gln345= (NM_001324112.2).
Identifiers: ClinVar variation 3001617 (VCV003001617.5), dbSNP rs1205743175, ClinGen allele CA461118560.

ClinVar aggregate classification (germline): Likely benign. Review status: criteria provided, single submitter (1 of 4 stars). 2 submissions from 2 submitters: Likely benign (1). 1 of the submissions does not count toward it. Last evaluated 2023-09-18.

Conditions:
CYP7B1-related disorder. Also called: CYP7B1-related condition.
Spastic paraplegia. Identifiers: MedGen C0037772, HP:0001258.

Allele frequency attached by ClinVar (database versions not stated): gnomAD 0.00001.
gnomAD v4.1: 1 of 1,613,544 alleles (0.000062%); highest among the groups gnomAD compares: Non-Finnish European, 0.000085%; no homozygotes.

Submissions (2):

Labcorp Genetics (formerly Invitae), Labcorp
Classification: Likely benign for Spastic paraplegia. Last evaluated: 2023-09-18. Review status: criteria provided, single submitter. Criteria: Invitae Variant Classification Sherloc (09022015). Collection method: clinical testing. Allele origin: germline.

PreventionGenetics, part of Exact Sciences
Classification: Likely benign for CYP7B1-related condition. Last evaluated: 2021-11-12. Review status: no assertion criteria provided. Collection method: clinical testing. Allele origin: germline. Not counted in ClinVar's aggregate classification.
Comment: This variant is classified as likely benign based on ACMG/AMP sequence variant interpretation guidelines (Richards et al. 2015 PMID: 25741868, with internal and published modifications).